The following is an entry in ClinVar:

NM_001375524.1(TRRAP):c.5429A>G (p.Asn1810Ser)

Gene: TRRAP (transformation/transcription domain associated protein; plus strand). Cytogenetic location: 7q22.1.
Variant type: single nucleotide variant.
Coding change: c.5429A>G on transcript NM_001375524.1 (MANE Select); coding-DNA position 5429, A replaced by G.
Protein change: p.Asn1810Ser; replaces asparagine 1810 with serine.
Molecular consequence: missense variant.
Genome position (GRCh38, 1-based): chr7:98,950,970, A>G. VCF-style: chr7-98950970-A-G. GRCh37 (hg19) VCF-style: chr7-98548593-A-G.
Other names: c.5408A>G, p.Asn1803Ser (NM_001244580.2); c.5354A>G, p.Asn1785Ser (NM_003496.4); short protein forms N1785S, N1803S, N1810S.
Identifiers: ClinVar variation 3338514 (VCV003338514.1).
Genomic context (GRCh38, chr7:98,950,970, plus strand): 5'-ACAGCTTTGAGAAGGGGGAAGGAGAGCAGCTCTTGGGACCTCCCAATCCAGAAGGAGATA[A>G]CCCAGAAAGCATCACCAGTGTGTTTATTACCAAGGTGGTATCACTATGTGTGTGGGTGTG-3'
Protein context (NP_001362453.1, residues 1800-1820): LLGPPNPEGD[Asn1810Ser]PESITSVFIT

ClinVar aggregate classification (germline): Uncertain significance (1 of 4 stars; one submission).

Submission:

Greenwood Genetic Center Diagnostic Laboratories, Greenwood Genetic Center
Classification: Uncertain significance. Last evaluated: 2024-05-21. Review status: criteria provided, single submitter. Criteria: ACMG Guidelines, 2015. Collection method: clinical testing. Allele origin: germline. Affected: yes.
Comment: PM2, BP4, PP2